The following is an entry in ClinVar:

ClinVar aggregate classification (germline): Likely benign. Review status: criteria provided, multiple submitters, no conflicts (2 of 4 stars). 4 submissions from 4 submitters: Likely benign (4). Last evaluated 2026-09-01.

Conditions:
Dilated cardiomyopathy 1G (CMD1G). Identifiers: Orphanet 154, MedGen C1858763, MONDO:0011400, OMIM 604145.
Autosomal recessive limb-girdle muscular dystrophy type 2J (LGMDR10). Also called: Limb-girdle muscular dystrophy, type 2J; MUSCULAR DYSTROPHY, LIMB-GIRDLE, AUTOSOMAL RECESSIVE 10. Identifiers: Orphanet 140922, MedGen C1837342, MONDO:0012127, OMIM 608807.

Allele frequency attached by ClinVar (database versions not stated): gnomAD exomes 0.00001 and 0.00002; TOPMed 0.00001; ExAC 0.00002; 1000 Genomes Project 0.00020; 1000 Genomes Project 30x 0.00031; gnomAD 0.00001.
gnomAD v4.1: 11 of 1,613,136 alleles (0.00068%); highest among the groups gnomAD compares: Admixed American, 0.0067%; no homozygotes.

Submissions (4):

CeGaT Center for Human Genetics Tuebingen
Classification: Likely benign. Last evaluated: 2026-09-01. Review status: criteria provided, single submitter. Criteria: CeGaT Center For Human Genetics Tuebingen Variant Classification Criteria Version 2. Collection method: clinical testing. Allele origin: germline. Affected: yes. Observed: 1 variant allele.
Comment: TTN: BP4, BP7

Labcorp Genetics (formerly Invitae), Labcorp
Classification: Likely benign for Dilated cardiomyopathy 1G; Autosomal recessive limb-girdle muscular dystrophy type 2J. Last evaluated: 2025-10-01. Review status: criteria provided, single submitter. Criteria: Invitae Variant Classification Sherloc (09022015). Collection method: clinical testing. Allele origin: germline.

Blueprint Genetics
Classification: Likely benign. Last evaluated: 2022-04-05. Review status: criteria provided, single submitter. Criteria: ACMG Guidelines, 2015. Collection method: clinical testing. Allele origin: germline.

GeneDx
Classification: Likely benign. Last evaluated: 2021-02-23. Review status: criteria provided, single submitter. Criteria: GeneDx Variant Classification Process June 2021. Collection method: clinical testing. Allele origin: germline. Affected: yes.

NM_001267550.2(TTN):c.73509T>C (p.Asn24503=)

Genes: TTN (titin; minus strand), TTN-AS1 (TTN antisense RNA 1; plus strand). Cytogenetic location: 2q31.2.
Variant type: single nucleotide variant.
Coding change: c.73509T>C on transcript NM_001267550.2 (MANE Select); coding-DNA position 73509, T replaced by C.
Protein change: p.Asn24503=; no amino-acid change (asparagine 24503 retained).
Molecular consequence: synonymous variant.
Genome position (GRCh38, 1-based): chr2:178,572,623, A>G on the plus strand (T>C on the coding strand, the complement: TTN is on the minus strand). VCF-style: chr2-178572623-A-G. GRCh37 (hg19) VCF-style: chr2-179437350-A-G.
Other names: c.68586T>C, p.Asn22862= (NM_001256850.1); c.46314T>C, p.Asn15438= (NM_003319.4); c.65805T>C, p.Asn21935= (NM_133378.4); c.46689T>C, p.Asn15563= (NM_133432.3); c.46890T>C, p.Asn15630= (NM_133437.4).
Identifiers: ClinVar variation 1124969 (VCV001124969.13), dbSNP rs536578166, ClinGen allele CA1990360.